The following is an entry in ClinVar:

ClinVar aggregate classification (germline): Uncertain significance (1 of 4 stars; one submission).

Allele frequency attached by ClinVar (database versions not stated): TOPMed below 0.00001; gnomAD 0.00001.
gnomAD v4.1: 1 of 1,613,958 alleles (0.000062%); highest among the groups gnomAD compares: Non-Finnish European, 0.000085%; no homozygotes.

Submission:

Labcorp Genetics (formerly Invitae), Labcorp
Classification: Uncertain significance. Last evaluated: 2023-05-15. Review status: criteria provided, single submitter. Criteria: Invitae Variant Classification Sherloc (09022015). Collection method: clinical testing. Allele origin: germline.
Comment: In summary, the available evidence is currently insufficient to determine the role of this variant in disease. Therefore, it has been classified as a Variant of Uncertain Significance. Advanced modeling of protein sequence and biophysical properties (such as structural, functional, and spatial information, amino acid conservation, physicochemical variation, residue mobility, and thermodynamic stability) performed at Invitae indicates that this missense variant is not expected to disrupt EARS2 protein function. ClinVar contains an entry for this variant (Variation ID: 1466156). This variant has not been reported in the literature in individuals affected with EARS2-related conditions. This variant is not present in population databases (gnomAD no frequency). This sequence change replaces glycine, which is neutral and non-polar, with alanine, which is neutral and non-polar, at codon 467 of the EARS2 protein (p.Gly467Ala).

NM_001083614.2(EARS2):c.1400G>C (p.Gly467Ala)

Gene: EARS2 (glutamyl-tRNA synthetase 2, mitochondrial; minus strand). Cytogenetic location: 16p12.2.
Variant type: single nucleotide variant.
Coding change: c.1400G>C on transcript NM_001083614.2 (MANE Select); coding-DNA position 1400, G replaced by C.
Protein change: p.Gly467Ala; replaces glycine 467 with alanine.
Molecular consequence: missense variant. On other transcripts: non-coding transcript variant (1).
Genome position (GRCh38, 1-based): chr16:23,525,332, C>G on the plus strand (G>C on the coding strand, the complement: EARS2 is on the minus strand). VCF-style: chr16-23525332-C-G. GRCh37 (hg19) VCF-style: chr16-23536653-C-G.
Other names: c.1400G>C, p.Gly467Ala (NM_001308211.1); short protein forms G467A.
Identifiers: ClinVar variation 1466156 (VCV001466156.6), dbSNP rs1474459826, ClinGen allele CA395127012.
Genomic context (GRCh38, chr16:23,525,332, plus strand): 5'-AGTTTCATCACATTACTGTACTTGGTGCCTTCCAGACCTTCTGATAGCTTCTTCAGTTCT[C>G]CATTCAGCATATCCTGAGTTAAGCTCATACTAGATCTTTCTAGAAGCCTAGAAGAAGAGG-3'
Protein context (NP_001077083.1, residues 457-477): SMSLTQDMLN[Gly467Ala]ELKKLSEGLE